The following is an entry in ClinVar:

NM_006790.3(MYOT):c.179C>T (p.Ser60Phe)

Genes: PKD2L2-DT (PKD2L2 divergent transcript; minus strand), MYOT (myotilin; plus strand). Cytogenetic location: 5q31.2.
Variant type: single nucleotide variant.
Coding change: c.179C>T on transcript NM_006790.3 (MANE Select); coding-DNA position 179, C replaced by T.
Protein change: p.Ser60Phe; replaces serine 60 with phenylalanine.
Molecular consequence: missense variant. On other transcripts: intron variant (2).
Genome position (GRCh38, 1-based): chr5:137,870,830, C>T. VCF-style: chr5-137870830-C-T. GRCh37 (hg19) VCF-style: chr5-137206519-C-T.
Other names: c.-120-47C>T (NM_001300911.2); c.-197+305C>T (NM_001135940.2); short protein forms S60F.
Identifiers: ClinVar variation 5837 (VCV000005837.66), dbSNP rs121908458, ClinGen allele CA253623.

ClinVar aggregate classification (germline): Pathogenic/Likely pathogenic. Review status: criteria provided, multiple submitters, no conflicts (2 of 4 stars). 14 submissions from 14 submitters: Pathogenic (11); Likely pathogenic (2). 1 of the submissions does not count toward it. Last evaluated 2026-01-17.

Conditions:
MYOT-related disorder. Also called: MYOT-related condition.
Myofibrillar myopathy 3 (MFM3). Also called: Muscular dystrophy, proximal, type 1A; Autosomal dominant spheroid body myopathy. Identifiers: Orphanet 266, Orphanet 268129, MedGen C3714934, MONDO:0012215, OMIM 609200.

Allele frequency attached by ClinVar (database versions not stated): gnomAD 0.00001; TOPMed 0.00003; ExAC 0.00004; gnomAD exomes 0.00004.

Submissions (14):

Labcorp Genetics (formerly Invitae), Labcorp
Classification: Pathogenic for Myofibrillar myopathy 3. Last evaluated: 2026-01-17. Review status: criteria provided, single submitter. Criteria: Invitae Variant Classification Sherloc (09022015). Collection method: clinical testing. Allele origin: germline.
Comment: This sequence change replaces serine, which is neutral and polar, with phenylalanine, which is neutral and non-polar, at codon 60 of the MYOT protein (p.Ser60Phe). This variant is present in population databases (rs121908458, gnomAD 0.007%). This missense change has been observed in individuals with myofibrillar myopathy (PMID: 15111675, 15947064, 16793270, 19225410, 19590214, 21676617, 25208129, 26842778, 27854214). It has also been observed to segregate with disease in related individuals. ClinVar contains an entry for this variant (Variation ID: 5837). Invitae Evidence Modeling of protein sequence and biophysical properties (such as structural, functional, and spatial information, amino acid conservation, physicochemical variation, residue mobility, and thermodynamic stability) indicates that this missense variant is not expected to disrupt MYOT protein function with a negative predictive value of 80%. Experimental studies have shown that this missense change affects MYOT function (PMID: 21361873). For these reasons, this variant has been classified as Pathogenic.

GeneDx
Classification: Likely pathogenic. Last evaluated: 2025-07-27. Review status: criteria provided, single submitter. Criteria: GeneDx Variant Classification Process June 2021. Collection method: clinical testing. Allele origin: germline. Affected: yes.
Comment: Reported previously in a patient with proximal weakness and atrophy in lower limbs, mild dysphagia, diminished reflexes, elevated CK levels, and abnormal NCS/EMG (PMID: 38127101); Functional studies of MYOT constructs encoding S60F failed to exhibit altered myotube dynamics; however, the authors suggested that other aspects of protein function not tested by their assay may be affected (PMID: 22021208); In silico analysis suggests that this missense variant does not alter protein structure/function; Missense variants in this gene are a common cause of disease and they are underrepresented in the general population; This variant is associated with the following publications: (PMID: 31517061, 25208129, 31407473, 32403337, 32509353, 32647524, 19590214, 32419263, 31589614, 39102614, 32528171, 37705100, 40413523, 37287054, 39544699, 35239206, 38127101, 22021208, 15111675, 27854214)

Revvity Omics, Revvity
Classification: Pathogenic for Myofibrillar myopathy 3. Last evaluated: 2024-12-24. Review status: criteria provided, single submitter. Criteria: ACMG Guidelines, 2015. Collection method: clinical testing. Allele origin: germline.

Blueprint Genetics
Classification: Pathogenic for MYOT-related disorders. Last evaluated: 2024-03-26. Review status: criteria provided, single submitter. Criteria: ACMG Guidelines, 2015. Collection method: clinical testing. Allele origin: germline. Affected: yes. Observed: 2 variant alleles.

Women's Health and Genetics/Laboratory Corporation of America, LabCorp
Classification: Pathogenic for Myofibrillar myopathy 3. Last evaluated: 2024-02-28. Review status: criteria provided, single submitter. Criteria: LabCorp Variant Classification Summary - May 2015. Collection method: clinical testing. Allele origin: germline.
Comment: Variant summary: MYOT c.179C>T (p.Ser60Phe) results in a non-conservative amino acid change in the encoded protein sequence. Three of five in-silico tools predict a damaging effect of the variant on protein function. The variant allele was found at a frequency of 3.6e-05 in 249028 control chromosomes. c.179C>T has been reported in the literature in multiple individuals affected with dominant late-onset myofibrillar myopathy (e.g. Rudolf_2016). These data indicate that the variant is very likely to be associated with disease. To our knowledge, no experimental evidence demonstrating an impact on protein function has been reported. The following publication has been ascertained in the context of this evaluation (PMID: 27854214). ClinVar contains an entry for this variant (Variation ID: 5837). Based on the evidence outlined above, the variant was classified as pathogenic.

Clinical Genetics Laboratory, Skane University Hospital Lund
Classification: Likely pathogenic. Last evaluated: 2023-12-27. Review status: criteria provided, single submitter. Criteria: ACMG Guidelines, 2015. Collection method: clinical testing. Allele origin: germline. Affected: yes.

PreventionGenetics, part of Exact Sciences
Classification: Pathogenic for MYOT-related condition. Last evaluated: 2023-07-27. Review status: criteria provided, single submitter. Criteria: ACMG Guidelines, 2015. Collection method: clinical testing. Allele origin: germline.
Comment: The MYOT c.179C>T variant is predicted to result in the amino acid substitution p.Ser60Phe. This variant has been reported in the heterozygous state in many unrelated individuals with myofibrillar myopathy (Selcen et al. 2004. PubMed ID: 15111675; McNeill et al. 2009. PubMed ID: 19590214; Semmler et al. 2014. PubMed ID: 25208129; Finsterer et al. 2020 PubMed ID: 32509353; Pénisson-Besnier et al. 2006. PubMed ID: 16793270). Additionally, an alternate substitution at this amino acid position (p.Ser60Cys) has been reported as causative in individuals with myofibrillar myopathy (Selcen et al. 2004. PubMed ID: 15111675). This variant is reported in 0.0071% of alleles in individuals of European (Non-Finnish) descent in gnomAD. This variant is interpreted as pathogenic.

MGZ Medical Genetics Center
Classification: Pathogenic for Myofibrillar myopathy 3. Last evaluated: 2022-05-17. Review status: criteria provided, single submitter. Criteria: ACMG Guidelines, 2015. Collection method: clinical testing. Allele origin: germline. Affected: yes. Observed: 3 variant alleles.
Comment: ACMG criteria applied: PS3, PS4_MOD, PM3, PM2_SUP, PP1

Athena Diagnostics
Classification: Pathogenic. Last evaluated: 2021-07-28. Review status: criteria provided, single submitter. Criteria: Athena Diagnostics Criteria. Collection method: clinical testing. Allele origin: unknown.
Comment: This variant is statistically more frequent in affected individuals than in the general population and/or healthy controls and is therefore consistent with pathogenicity. This variant appears to be associated with disease in at least one family. At least one other missense variant at this codon is considered to be pathogenic or likely pathogenic, suggesting this variant may also cause disease. Computational tools predict that this variant is damaging.

CeGaT Center for Human Genetics Tuebingen
Classification: Pathogenic. Last evaluated: 2021-03-01. Review status: criteria provided, single submitter. Criteria: CeGaT Center For Human Genetics Tuebingen Variant Classification Criteria Version 2. Collection method: clinical testing. Allele origin: germline. Affected: yes. Observed: 2 variant alleles.

Institute of Human Genetics Munich, TUM University Hospital
Classification: Pathogenic for Myofibrillar myopathy 3. Last evaluated: 2019-06-07. Review status: criteria provided, single submitter. Criteria: Classification criteria August 2017. Collection method: clinical testing. Allele origin: germline. Inheritance: Autosomal dominant inheritance. Affected: yes. Observed: 1 heterozygote.

Eurofins Ntd Llc (ga)
Classification: Pathogenic. Last evaluated: 2016-10-06. Review status: criteria provided, single submitter. Criteria: EGL Classification Definitions 2015. Collection method: clinical testing. Allele origin: germline. Observed: 7 variant alleles, 7 heterozygotes.

Clinical Genetics Service, Universitary Hospital 12 de Octubre
Classification: Pathogenic for Myofibrillar myopathy 3. Review status: criteria provided, single submitter. Criteria: ACMG Guidelines, 2015. Collection method: clinical testing. Allele origin: germline. Affected: yes.

OMIM
Classification: Pathogenic for MYOPATHY, MYOFIBRILLAR, 3. Last evaluated: 2004-04-27. Review status: no assertion criteria provided. Collection method: literature only. Allele origin: germline. Not counted in ClinVar's aggregate classification.

Literature cited by the submitters: PubMed 15111675 (cited by 4 submitters); PubMed 15947064 (cited by 3 submitters); PubMed 16793270 (cited by Labcorp Genetics (formerly Invitae), Labcorp and Athena Diagnostics); PubMed 19225410 (cited by Labcorp Genetics (formerly Invitae), Labcorp); PubMed 19590214 (cited by 3 submitters); PubMed 21676617 (cited by Labcorp Genetics (formerly Invitae), Labcorp and Athena Diagnostics); PubMed 25208129 (cited by Labcorp Genetics (formerly Invitae), Labcorp and Athena Diagnostics); PubMed 26842778 (cited by Labcorp Genetics (formerly Invitae), Labcorp and Athena Diagnostics); PubMed 27854214 (cited by 3 submitters); PubMed 21361873 (cited by Labcorp Genetics (formerly Invitae), Labcorp); PubMed 18653338 (cited by Athena Diagnostics and Eurofins Ntd Llc (ga)); PubMed 17931355 (cited by Athena Diagnostics); PubMed 17784878 (cited by Athena Diagnostics); PubMed 32419263 (cited by Athena Diagnostics); PubMed 31407473 (cited by Athena Diagnostics).